The following is an entry in ClinVar:

NM_002617.4(PEX10):c.747G>A (p.Trp249Ter)

Gene: PEX10 (peroxisomal biogenesis factor 10; minus strand). Cytogenetic location: 1p36.32.
Variant type: single nucleotide variant.
Coding change: c.747G>A on transcript NM_002617.4 (MANE Select); coding-DNA position 747, G replaced by A.
Protein change: p.Trp249Ter; replaces tryptophan 249 with a stop codon.
Molecular consequence: nonsense. On other transcripts: non-coding transcript variant (1).
Genome position (GRCh38, 1-based): chr1:2,406,749, C>T on the plus strand (G>A on the coding strand, the complement: PEX10 is on the minus strand). VCF-style: chr1-2406749-C-T. GRCh37 (hg19) VCF-style: chr1-2338188-C-T.
Other names: c.804G>A, p.Trp268Ter (NM_001374425.1); c.372G>A, p.Trp124Ter (NM_001374426.1); c.315G>A, p.Trp105Ter (NM_001374427.1); c.807G>A, p.Trp269Ter (NM_153818.2); short protein forms W105*, W249*, W268*, W124*, W269*.
Identifiers: ClinVar variation 1406389 (VCV001406389.6), dbSNP rs2100422532, ClinGen allele CA337985106.

ClinVar aggregate classification (germline): Pathogenic (1 of 4 stars; one submission).

Conditions:
Peroxisome biogenesis disorder, complementation group 7 (CG7). Also called: Peroxisome biogenesis disorder, complementation group B. Identifiers: MedGen C1864399.

Submission:

Labcorp Genetics (formerly Invitae), Labcorp
Classification: Pathogenic for Peroxisome biogenesis disorder, complementation group 7. Last evaluated: 2021-04-10. Review status: criteria provided, single submitter. Criteria: Invitae Variant Classification Sherloc (09022015). Collection method: clinical testing. Allele origin: germline.
Comment: For these reasons, this variant has been classified as Pathogenic. This variant has not been reported in the literature in individuals with PEX10-related conditions. This variant is not present in population databases (ExAC no frequency). This sequence change creates a premature translational stop signal (p.Trp269*) in the PEX10 gene. It is expected to result in an absent or disrupted protein product. Loss-of-function variants in PEX10 are known to be pathogenic (PMID: 9683594, 10862081, 21031596).

Literature cited by the submitters: PubMed 9683594; PubMed 10862081; PubMed 21031596.